The following is an entry in ClinVar:

NM_001035.3(RYR2):c.2204-1G>A

Gene: RYR2 (ryanodine receptor 2; plus strand). Cytogenetic location: 1q43.
Variant type: single nucleotide variant.
Coding change: c.2204-1G>A on transcript NM_001035.3 (MANE Select); the canonical splice acceptor site of the intron before coding-DNA position 2204, G replaced by A.
Molecular consequence: splice acceptor variant.
Genome position (GRCh38, 1-based): chr1:237,500,710, G>A. VCF-style: chr1-237500710-G-A. GRCh37 (hg19) VCF-style: chr1-237664010-G-A.
Identifiers: ClinVar variation 4976469 (VCV004976469.1).

ClinVar aggregate classification (germline): Uncertain significance (1 of 4 stars; one submission).

Submission:

GeneDx
Classification: Uncertain significance. Last evaluated: 2026-03-16. Review status: criteria provided, single submitter. Criteria: GeneDx Variant Classification Process June 2021. Collection method: clinical testing. Allele origin: germline.
Comment: Not observed at significant frequency in large population cohorts (gnomAD); Canonical splice site variant in a gene or region of a gene for which loss of function is not a well-established mechanism of disease; Has not been previously published as pathogenic or benign to our knowledge